The following is an entry in ClinVar:

NM_003673.4(TCAP):c.425del (p.Pro142fs)

Gene: TCAP (titin-cap; plus strand). Cytogenetic location: 17q12.
Variant type: Deletion.
Coding change: c.425del on transcript NM_003673.4 (MANE Select); coding-DNA position 425, one base deleted (C; older notation c.425delC).
Protein change: p.Pro142fs; shifts the reading frame from proline 142.
Molecular consequence: frameshift variant.
Genome position (GRCh38, 1-based): chr17:39,666,030, C deleted; the last of 5 consecutive C bases (chr17:39,666,026-39,666,030); deleting any one gives the same sequence. VCF-style (leftmost placement, unchanged base first): chr17-39666025-GC-G. GRCh37 (hg19) VCF-style: chr17-37822278-GC-G.
Other names: short protein forms P142fs.
Identifiers: ClinVar variation 2033561 (VCV002033561.4), dbSNP rs1229266840, ClinGen allele CA771858561.

ClinVar aggregate classification (germline): Uncertain significance (1 of 4 stars; one submission).

Conditions:
Primary familial hypertrophic cardiomyopathy (HCM). Identifiers: Orphanet 99739, MedGen C0949658, MeSH D024741, MONDO:0024573. Inheritance: Various modes of inheritance.
Hypertrophic cardiomyopathy 25 (CMH25). Also called: CARDIOMYOPATHY, FAMILIAL HYPERTROPHIC, 25. Identifiers: MedGen C4225408, MONDO:0011843, OMIM 607487.

Submission:

Labcorp Genetics (formerly Invitae), Labcorp
Classification: Uncertain significance for Hypertrophic cardiomyopathy 25; Primary familial hypertrophic cardiomyopathy. Last evaluated: 2022-10-01. Review status: criteria provided, single submitter. Criteria: Invitae Variant Classification Sherloc (09022015). Collection method: clinical testing. Allele origin: germline.
Comment: This sequence change results in a frameshift in the TCAP gene (p.Pro142Leufs*46). While this is not anticipated to result in nonsense mediated decay, it is expected to disrupt the last 26 amino acid(s) of the TCAP protein and extend the protein by 19 additional amino acid residues. This variant is not present in population databases (gnomAD no frequency). This variant has not been reported in the literature in individuals affected with TCAP-related conditions. Experimental studies and prediction algorithms are not available or were not evaluated, and the functional significance of this variant is currently unknown. In summary, the available evidence is currently insufficient to determine the role of this variant in disease. Therefore, it has been classified as a Variant of Uncertain Significance.